The following is an entry in ClinVar:

NM_001743.6(CALM2):c.178+15T>C

Gene: CALM2 (calmodulin 2; minus strand). Cytogenetic location: 2p21.
Variant type: single nucleotide variant.
Coding change: c.178+15T>C on transcript NM_001743.6 (MANE Select); 15 bases into the intron after coding-DNA position 178, T replaced by C.
Molecular consequence: intron variant.
Genome position (GRCh38, 1-based): chr2:47,162,504, A>G on the plus strand (T>C on the coding strand, the complement: CALM2 is on the minus strand). VCF-style: chr2-47162504-A-G. GRCh37 (hg19) VCF-style: chr2-47389643-A-G.
Other names: c.322+15T>C (NM_001305624.1); c.70+15T>C (NM_001305626.1, NM_001305625.2).
Identifiers: ClinVar variation 509011 (VCV000509011.2), dbSNP rs766437970, ClinGen allele CA1648586.

ClinVar aggregate classification (germline): Likely benign. Review status: criteria provided, multiple submitters, no conflicts (2 of 4 stars). 2 submissions from 2 submitters: Likely benign (2). Last evaluated 2017-11-24.

Allele frequency attached by ClinVar (database versions not stated): ExAC 0.00001; gnomAD 0.00001; gnomAD exomes 0.00001.
gnomAD v4.1: 25 of 1,613,924 alleles (0.0015%); highest among the groups gnomAD compares: Non-Finnish European, 0.002%; no homozygotes.

Submissions (2):

Blueprint Genetics
Classification: Likely benign. Last evaluated: 2017-11-24. Review status: criteria provided, single submitter. Criteria: ACMG Guidelines, 2015. Collection method: clinical testing. Allele origin: germline.

GeneDx
Classification: Likely benign. Last evaluated: 2017-04-17. Review status: criteria provided, single submitter. Criteria: GeneDx Variant Classification (06012015). Collection method: clinical testing. Allele origin: germline. Affected: yes.
Comment: This variant is considered likely benign or benign based on one or more of the following criteria: it is a conservative change, it occurs at a poorly conserved position in the protein, it is predicted to be benign by multiple in silico algorithms, and/or has population frequency not consistent with disease.